The following is an entry in ClinVar:

NM_022835.3(PLEKHG2):c.3800G>A (p.Arg1267His)

Gene: PLEKHG2 (pleckstrin homology and RhoGEF domain containing G2; plus strand). Cytogenetic location: 19q13.2.
Variant type: single nucleotide variant.
Coding change: c.3800G>A on transcript NM_022835.3 (MANE Select); coding-DNA position 3800, G replaced by A.
Protein change: p.Arg1267His; replaces arginine 1267 with histidine.
Molecular consequence: missense variant. On other transcripts: intron variant (2).
Genome position (GRCh38, 1-based): chr19:39,424,933, G>A. VCF-style: chr19-39424933-G-A. GRCh37 (hg19) VCF-style: chr19-39915573-G-A.
Other names: c.3572+51G>A (NM_001351693.2); c.1678-305G>A (NM_001351694.2); c.3800G>A (NM_022835.2); short protein forms R1267H.
Identifiers: ClinVar variation 2177291 (VCV002177291.5), dbSNP rs112604685, ClinGen allele CA9430053.

ClinVar aggregate classification (germline): Uncertain significance. Review status: criteria provided, multiple submitters, no conflicts (2 of 4 stars). 2 submissions from 2 submitters: Uncertain significance (2). Last evaluated 2024-01-19.

Allele frequency attached by ClinVar (database versions not stated): ExAC 0.00002; gnomAD 0.00003.
gnomAD v4.1: 28 of 1,614,060 alleles (0.0017%); highest among the groups gnomAD compares: Admixed American, 0.01%; no homozygotes.

Submissions (2):

Ambry Genetics
Classification: Uncertain significance. Last evaluated: 2024-01-19. Review status: criteria provided, single submitter. Criteria: Ambry Variant Classification Scheme 2023. Collection method: clinical testing. Allele origin: germline.

Labcorp Genetics (formerly Invitae), Labcorp
Classification: Uncertain significance. Last evaluated: 2022-08-08. Review status: criteria provided, single submitter. Criteria: Invitae Variant Classification Sherloc (09022015). Collection method: clinical testing. Allele origin: germline.
Comment: In summary, the available evidence is currently insufficient to determine the role of this variant in disease. Therefore, it has been classified as a Variant of Uncertain Significance. Algorithms developed to predict the effect of missense changes on protein structure and function output the following: SIFT: "Deleterious"; PolyPhen-2: "Benign"; Align-GVGD: "Class C25". The histidine amino acid residue is found in multiple mammalian species, which suggests that this missense change does not adversely affect protein function. This variant has not been reported in the literature in individuals affected with PLEKHG2-related conditions. This variant is present in population databases (rs112604685, gnomAD 0.01%). This sequence change replaces arginine, which is basic and polar, with histidine, which is basic and polar, at codon 1267 of the PLEKHG2 protein (p.Arg1267His).